The following is an entry in ClinVar:

ClinVar aggregate classification (germline): Uncertain significance. Review status: criteria provided, multiple submitters, no conflicts (2 of 4 stars). 2 submissions from 2 submitters: Uncertain significance (2). Last evaluated 2025-06-04.

Conditions:
Inborn genetic diseases. Identifiers: MedGen C0950123, MeSH D030342.

Allele frequency attached by ClinVar (database versions not stated): TOPMed below 0.00001; ExAC 0.00001; gnomAD 0.00001; 1000 Genomes Project 0.00020.
gnomAD v4.1: 2 of 1,614,084 alleles (0.00012%); highest among the groups gnomAD compares: East Asian, 0.0022%; no homozygotes.

Submissions (2):

Labcorp Genetics (formerly Invitae), Labcorp
Classification: Uncertain significance. Last evaluated: 2025-06-04. Review status: criteria provided, single submitter. Criteria: Invitae Variant Classification Sherloc (09022015). Collection method: clinical testing. Allele origin: germline.
Comment: This sequence change replaces serine, which is neutral and polar, with asparagine, which is neutral and polar, at codon 424 of the ITGB3 protein (p.Ser424Asn). The frequency data for this variant in the population databases is considered unreliable, as metrics indicate poor data quality at this position in the gnomAD database. This variant has not been reported in the literature in individuals affected with ITGB3-related conditions. ClinVar contains an entry for this variant (Variation ID: 2329478). Invitae Evidence Modeling of protein sequence and biophysical properties (such as structural, functional, and spatial information, amino acid conservation, physicochemical variation, residue mobility, and thermodynamic stability) indicates that this missense variant is not expected to disrupt ITGB3 protein function with a negative predictive value of 80%. In summary, the available evidence is currently insufficient to determine the role of this variant in disease. Therefore, it has been classified as a Variant of Uncertain Significance.

Ambry Genetics
Classification: Uncertain significance for Inborn genetic diseases. Last evaluated: 2022-12-12. Review status: criteria provided, single submitter. Criteria: Ambry Variant Classification Scheme 2023. Collection method: clinical testing. Allele origin: germline.

NM_000212.3(ITGB3):c.1271G>A (p.Ser424Asn)

Gene: ITGB3 (integrin subunit beta 3; plus strand). Cytogenetic location: 17q21.32.
Variant type: single nucleotide variant.
Coding change: c.1271G>A on transcript NM_000212.3 (MANE Select); coding-DNA position 1271, G replaced by A.
Protein change: p.Ser424Asn; replaces serine 424 with asparagine.
Molecular consequence: missense variant.
Genome position (GRCh38, 1-based): chr17:47,292,149, G>A. VCF-style: chr17-47292149-G-A. GRCh37 (hg19) VCF-style: chr17-45369515-G-A.
Other names: short protein forms S424N.
Identifiers: ClinVar variation 2329478 (VCV002329478.3), dbSNP rs550153970, ClinGen allele CA8623235.